The following is an entry in ClinVar:

NM_020774.4(MIB1):c.745G>A (p.Gly249Ser)

Gene: MIB1 (MIB E3 ubiquitin protein ligase 1; plus strand). Cytogenetic location: 18q11.2.
Variant type: single nucleotide variant.
Coding change: c.745G>A on transcript NM_020774.4 (MANE Select); coding-DNA position 745, G replaced by A.
Protein change: p.Gly249Ser; replaces glycine 249 with serine.
Molecular consequence: missense variant.
Genome position (GRCh38, 1-based): chr18:21,779,522, G>A. VCF-style: chr18-21779522-G-A. GRCh37 (hg19) VCF-style: chr18-19359483-G-A.
Other names: short protein forms G249S.
Identifiers: ClinVar variation 3227430 (VCV003227430.1), dbSNP rs2510720249, ClinGen allele CA401743680.

ClinVar aggregate classification (germline): Uncertain significance (1 of 4 stars; one submission).

Conditions:
Inborn genetic diseases. Identifiers: MedGen C0950123, MeSH D030342.

Submission:

Ambry Genetics
Classification: Uncertain significance for Inborn genetic diseases. Last evaluated: 2024-03-01. Review status: criteria provided, single submitter. Criteria: Ambry Variant Classification Scheme 2023. Collection method: clinical testing. Allele origin: germline.
Comment: The p.G249S variant (also known as c.745G>A), located in coding exon 6 of the MIB1 gene, results from a G to A substitution at nucleotide position 745. The glycine at codon 249 is replaced by serine, an amino acid with similar properties. This amino acid position is conserved. In addition, the in silico prediction for this alteration is inconclusive. Based on the available evidence, the clinical significance of this alteration remains unclear.